The following is an entry in ClinVar:

ClinVar aggregate classification (germline): Uncertain significance (0 of 4 stars; one submission).

Conditions:
VPS13B-related disorder. Also called: VPS13B-related condition.

gnomAD v4.1: 2 of 1,614,004 alleles (0.00012%); highest among the groups gnomAD compares: African/African-American, 0.0013%; no homozygotes.

Submission:

PreventionGenetics, part of Exact Sciences
Classification: Uncertain significance for VPS13B-related condition. Last evaluated: 2024-04-11. Review status: no assertion criteria provided. Collection method: clinical testing. Allele origin: germline.
Comment: The VPS13B c.7660G>A variant is predicted to result in the amino acid substitution p.Val2554Ile. To our knowledge, this variant has not been reported in the literature. This variant is reported in 0.0062% of alleles in individuals of African descent in gnomAD. At this time, the clinical significance of this variant is uncertain due to the absence of conclusive functional and genetic evidence.

NM_152564.5(VPS13B):c.7660G>A (p.Val2554Ile)

Gene: VPS13B (vacuolar protein sorting 13 homolog B; plus strand). Cytogenetic location: 8q22.2.
Variant type: single nucleotide variant.
Coding change: c.7660G>A on transcript NM_152564.5 (MANE Select); coding-DNA position 7660, G replaced by A.
Protein change: p.Val2554Ile; replaces valine 2554 with isoleucine.
Molecular consequence: missense variant.
Genome position (GRCh38, 1-based): chr8:99,778,912, G>A. VCF-style: chr8-99778912-G-A. GRCh37 (hg19) VCF-style: chr8-100791140-G-A.
Other names: c.7735G>A, p.Val2579Ile (NM_017890.5); short protein forms V2554I, V2579I.
Identifiers: ClinVar variation 3355883 (VCV003355883.1).